The following is an entry in ClinVar:

NM_001243279.3(ACSF3):c.1280T>C (p.Val427Ala)

Gene: ACSF3 (acyl-CoA synthetase family member 3; plus strand). Cytogenetic location: 16q24.3.
Variant type: single nucleotide variant.
Coding change: c.1280T>C on transcript NM_001243279.3 (MANE Select); coding-DNA position 1280, T replaced by C.
Protein change: p.Val427Ala; replaces valine 427 with alanine.
Molecular consequence: missense variant. On other transcripts: non-coding transcript variant (3).
Genome position (GRCh38, 1-based): chr16:89,133,176, T>C. VCF-style: chr16-89133176-T-C. GRCh37 (hg19) VCF-style: chr16-89199584-T-C.
Other names: c.1280T>C, p.Val427Ala (NM_001127214.4, NM_174917.5); c.485T>C, p.Val162Ala (NM_001284316.2); short protein forms V427A, V162A.
Identifiers: ClinVar variation 1983169 (VCV001983169.1), dbSNP rs2543769903, ClinGen allele CA397145356.

ClinVar aggregate classification (germline): Uncertain significance (1 of 4 stars; one submission).

Conditions:
Combined malonic and methylmalonic acidemia. Identifiers: Orphanet 289504, MedGen C3280314, MONDO:0013661, OMIM 614265.

Submission:

Labcorp Genetics (formerly Invitae), Labcorp
Classification: Uncertain significance for Combined malonic and methylmalonic acidemia. Last evaluated: 2022-08-22. Review status: criteria provided, single submitter. Criteria: Invitae Variant Classification Sherloc (09022015). Collection method: clinical testing. Allele origin: germline.
Comment: This sequence change replaces valine, which is neutral and non-polar, with alanine, which is neutral and non-polar, at codon 427 of the ACSF3 protein (p.Val427Ala). This variant is not present in population databases (gnomAD no frequency). This variant has not been reported in the literature in individuals affected with ACSF3-related conditions. Algorithms developed to predict the effect of missense changes on protein structure and function are either unavailable or do not agree on the potential impact of this missense change (SIFT: "Deleterious"; PolyPhen-2: "Possibly Damaging"; Align-GVGD: "Class C0"). In summary, the available evidence is currently insufficient to determine the role of this variant in disease. Therefore, it has been classified as a Variant of Uncertain Significance.